The following is an entry in ClinVar:

NM_138694.4(PKHD1):c.8864G>A (p.Arg2955Gln)

Gene: PKHD1 (PKHD1 ciliary IPT domain containing fibrocystin/polyductin; minus strand). Cytogenetic location: 6p12.3.
Variant type: single nucleotide variant.
Coding change: c.8864G>A on transcript NM_138694.4 (MANE Select); coding-DNA position 8864, G replaced by A.
Protein change: p.Arg2955Gln; replaces arginine 2955 with glutamine.
Molecular consequence: missense variant.
Genome position (GRCh38, 1-based): chr6:51,753,287, C>T on the plus strand (G>A on the coding strand, the complement: PKHD1 is on the minus strand). VCF-style: chr6-51753287-C-T. GRCh37 (hg19) VCF-style: chr6-51618085-C-T.
Other names: c.8864G>A, p.Arg2955Gln (NM_170724.3); short protein forms R2955Q.
Identifiers: ClinVar variation 1805071 (VCV001805071.1), dbSNP rs1582469538, ClinGen allele CA364426968.

ClinVar aggregate classification (germline): Likely pathogenic (1 of 4 stars; one submission).

Conditions:
Polycystic kidney disease 4 (PKD4). Also called: PKD3; Autosomal Recessive Polycystic Kidney Disease – PKHD1; POLYCYSTIC KIDNEY AND HEPATIC DISEASE 1; POLYCYSTIC KIDNEY DISEASE, INFANTILE, TYPE I; POLYCYSTIC KIDNEY DISEASE 4 WITH OR WITHOUT POLYCYSTIC LIVER DISEASE. Identifiers: MedGen C4540575, MONDO:0033004, OMIM 263200.

Allele frequency attached by ClinVar (database versions not stated): gnomAD exomes below 0.00001.
gnomAD v4.1: 3 of 1,613,650 alleles (0.00019%); highest among the groups gnomAD compares: Non-Finnish European, 0.00025%; no homozygotes.

Submission:

Victorian Clinical Genetics Services, Murdoch Childrens Research Institute
Classification: Likely pathogenic for Polycystic kidney disease 4. Last evaluated: 2022-02-02. Review status: criteria provided, single submitter. Criteria: ACMG Guidelines, 2015. Collection method: clinical testing. Allele origin: germline. Inheritance: Autosomal recessive inheritance. Affected: yes.
Comment: Based on the classification scheme VCGS_Germline_v1.3.4, this variant is classified as Likely pathogenic. Following criteria are met: 0102 - Loss of function is a known mechanism of disease in this gene and is associated with polycystic kidney disease 4, with or without hepatic disease (MIM#263200). (I) 0106 - This gene is associated with autosomal recessive disease. (I) 0115 - Variants in this gene are known to have variable expressivity. There is significant intrafamilial variation of severity (GeneReviews). (I) 0200 - Variant is predicted to result in a missense amino acid change from arginine to glutamine. (I) 0251 - This variant is heterozygous. (I) 0301 - Variant is absent from gnomAD (both v2 and v3). (SP) 0501 - Missense variant consistently predicted to be damaging by multiple in silico tools or highly conserved with a major amino acid change. (SP) 0604 - Variant is not located in an established domain, motif, hotspot or informative constraint region. (I) 0710 - Other missense variants comparable to the one identified in this case have inconclusive previous evidence for pathogenicity. p.(Arg2955Leu) has been reported as likely pathogenic in ClinVar in an affected individual, however zygosity was not provided. In addition, p.(Arg2955Gly) has been detected in a heterozygous proband with polycystic kidney disease (PKD) as well as in two homozygous unaffected siblings (PMID: 30595564). (I) 0809 - Previous evidence of pathogenicity for this variant is inconclusive. It has been regarded likely pathogenic in a heterozygous individual with PKD for which a second hit was not detected (PMID: 27225849). (I) (SP) 1007 - No published functional evidence has been identified for this variant. (I) 0905 - No published segregation evidence has been identified for this variant. (I) 1201 - Heterozygous variant detected in trans with a second pathogenic heterozygous variant (NM_138694.3(PKHD1):c.2192C>A; p.(Ser731*)) in a recessive disease. (I) Legend: (SP) - Supporting pathogenic, (I) - Information, (SB) - Supporting benign

Literature cited by the submitters: PubMed 27225849; PubMed 30595564.